The following is an entry in ClinVar:

ClinVar aggregate classification (germline): Uncertain significance (1 of 4 stars; one submission).

Conditions:
Epilepsy, childhood absence, susceptibility to, 1. Also called: Epilepsy, childhood absence 1. Identifiers: Orphanet 64280, MedGen C1838604, MONDO:0020759, OMIM 600131.
Epilepsy, childhood absence, susceptibility to, 5. Identifiers: Orphanet 64280, MedGen C2677087, MONDO:0012843, OMIM 612269.

Submission:

Labcorp Genetics (formerly Invitae), Labcorp
Classification: Uncertain significance for Epilepsy, childhood absence, susceptibility to, 5; Epilepsy, childhood absence, susceptibility to, 1. Last evaluated: 2022-10-03. Review status: criteria provided, single submitter. Criteria: Invitae Variant Classification Sherloc (09022015). Collection method: clinical testing. Allele origin: germline.
Comment: In summary, the available evidence is currently insufficient to determine the role of this variant in disease. Therefore, it has been classified as a Variant of Uncertain Significance. Experimental studies and prediction algorithms are not available or were not evaluated, and the functional significance of this variant is currently unknown. ClinVar contains an entry for this variant (Variation ID: 1489555). This variant has not been reported in the literature in individuals affected with GABRB3-related conditions. This variant is not present in population databases (gnomAD no frequency). This variant, c.850_852dup, results in the insertion of 1 amino acid(s) of the GABRB3 protein (p.Leu284dup), but otherwise preserves the integrity of the reading frame.

NM_000814.6(GABRB3):c.850_852dup (p.Leu284dup)

Gene: GABRB3 (gamma-aminobutyric acid type A receptor subunit beta3; minus strand). Cytogenetic location: 15q12.
Variant type: Duplication.
Coding change: c.850_852dup on transcript NM_000814.6 (MANE Select); coding-DNA positions 850 to 852, 3 bases duplicated (CTG; older notation c.850_852dupCTG).
Protein change: p.Leu284dup; duplicates leucine 284.
Molecular consequence: inframe insertion.
Genome position (GRCh38, 1-based): chr15:26,561,160-26,561,162, CAG duplicated on the plus strand (CTG on the coding strand, the reverse complement: GABRB3 is on the minus strand); duplicating any 3 consecutive bases within chr15:26,561,160-26,561,164 gives the same sequence; the c. name uses the placement nearest the transcript's 3' end. VCF-style (leftmost placement, unchanged base first): chr15-26561159-T-TCAG. GRCh37 (hg19) VCF-style: chr15-26806306-T-TCAG.
Other names: c.595_597dup, p.Leu199dup (NM_001191320.2, NM_001278631.2); c.637_639dup, p.Leu213dup (NM_001191321.3); c.850_852dup, p.Leu284dup (NM_021912.5).
Identifiers: ClinVar variation 1489555 (VCV001489555.8), dbSNP rs2140680304, ClinGen allele CA2573150551.